The following is an entry in ClinVar:

ClinVar aggregate classification (germline): Uncertain significance (1 of 4 stars; one submission).

gnomAD v4.1: 1 of 1,601,696 alleles (0.000062%); highest among the groups gnomAD compares: South Asian, 0.0011%; no homozygotes.

Submission:

Labcorp Genetics (formerly Invitae), Labcorp
Classification: Uncertain significance. Last evaluated: 2024-08-29. Review status: criteria provided, single submitter. Criteria: Invitae Variant Classification Sherloc (09022015). Collection method: clinical testing. Allele origin: germline.
Comment: This sequence change replaces asparagine, which is neutral and polar, with threonine, which is neutral and polar, at codon 649 of the PACS2 protein (p.Asn649Thr). This variant is not present in population databases (gnomAD no frequency). This variant has not been reported in the literature in individuals affected with PACS2-related conditions. Invitae Evidence Modeling of protein sequence and biophysical properties (such as structural, functional, and spatial information, amino acid conservation, physicochemical variation, residue mobility, and thermodynamic stability) indicates that this missense variant is not expected to disrupt PACS2 protein function with a negative predictive value of 80%. In summary, the available evidence is currently insufficient to determine the role of this variant in disease. Therefore, it has been classified as a Variant of Uncertain Significance.

NM_001100913.3(PACS2):c.1946A>C (p.Asn649Thr)

Gene: PACS2 (phosphofurin acidic cluster sorting protein 2; plus strand). Cytogenetic location: 14q32.33.
Variant type: single nucleotide variant.
Coding change: c.1946A>C on transcript NM_001100913.3 (MANE Select); coding-DNA position 1946, A replaced by C.
Protein change: p.Asn649Thr; replaces asparagine 649 with threonine.
Molecular consequence: missense variant.
Genome position (GRCh38, 1-based): chr14:105,384,933, A>C. VCF-style: chr14-105384933-A-C. GRCh37 (hg19) VCF-style: chr14-105851270-A-C.
Other names: c.1709A>C, p.Asn570Thr (NM_001243127.3); c.1934A>C, p.Asn645Thr (NM_015197.4); short protein forms N570T, N649T, N645T.
Identifiers: ClinVar variation 2770575 (VCV002770575.3), dbSNP rs587640790, ClinGen allele CA391184328.
Genomic context (GRCh38, chr14:105,384,933, plus strand): 5'-CTGCAGTACAGGACACGCCAGACATTGTGTCACGCATCACGCAGTACATCGCAGGGGCCA[A>C]CTGTGCCCACCAGCTCCCCATCGCAGAGGCCATGCTGACCTACAAGCAGAAGAGGTAACG-3'
Protein context (NP_001094383.2, residues 639-659): SRITQYIAGA[Asn649Thr]CAHQLPIAEA